The following is an entry in ClinVar:

NM_003995.4(NPR2):c.2327G>A (p.Arg776Gln)

Gene: NPR2 (natriuretic peptide receptor 2; plus strand). Cytogenetic location: 9p13.3.
Variant type: single nucleotide variant.
Coding change: c.2327G>A on transcript NM_003995.4 (MANE Select); coding-DNA position 2327, G replaced by A.
Protein change: p.Arg776Gln; replaces arginine 776 with glutamine.
Molecular consequence: missense variant.
Genome position (GRCh38, 1-based): chr9:35,806,188, G>A. VCF-style: chr9-35806188-G-A. GRCh37 (hg19) VCF-style: chr9-35806185-G-A.
Other names: c.2336G>A, p.Arg779Gln (NM_001378923.1); short protein forms R776Q, R779Q.
Identifiers: ClinVar variation 283086 (VCV000283086.19), dbSNP rs780293535, ClinGen allele CA5051937.

ClinVar aggregate classification (germline): Conflicting classifications of pathogenicity. Review status: criteria provided, conflicting classifications (1 of 4 stars). 5 submissions from 5 submitters: Pathogenic (1); Likely pathogenic (1); Uncertain significance (3). Last evaluated 2025-12-25.

Conditions:
NPR2-related disorder. Also called: NPR2-related condition; NPR2-related disorders.
Tall stature-scoliosis-macrodactyly of the great toes syndrome. Also called: Epiphyseal chondrodysplasia, miura type. Identifiers: Orphanet 329191, MedGen C4014690, MONDO:0014401, OMIM 615923.
Acromesomelic dysplasia 1, Maroteaux type (AMD1). Also called: ST. HELENA DYSPLASIA; ACROMESOMELIC DYSPLASIA 1. Identifiers: Orphanet 40, MedGen C1864356, MONDO:0011275, OMIM 602875.

Allele frequency attached by ClinVar (database versions not stated): gnomAD exomes below 0.00001 and 0.00001; ExAC 0.00001; gnomAD 0.00001.
gnomAD v4.1: 6 of 1,614,068 alleles (0.00037%); highest among the groups gnomAD compares: Admixed American, 0.005%; no homozygotes.

Submissions (5):

Labcorp Genetics (formerly Invitae), Labcorp
Classification: Pathogenic for Tall stature-scoliosis-macrodactyly of the great toes syndrome; Acromesomelic dysplasia 1, Maroteaux type. Last evaluated: 2025-12-25. Review status: criteria provided, single submitter. Criteria: Invitae Variant Classification Sherloc (09022015). Collection method: clinical testing. Allele origin: germline.
Comment: This sequence change replaces arginine, which is basic and polar, with glutamine, which is neutral and polar, at codon 776 of the NPR2 protein (p.Arg776Gln). This variant is present in population databases (rs780293535, gnomAD 0.003%). This missense change has been observed in individuals with clinical features of autosomal recessive acromesomelic dysplasia (internal data). It has also been observed to segregate with disease in related individuals. ClinVar contains an entry for this variant (Variation ID: 283086). Invitae Evidence Modeling of protein sequence and biophysical properties (such as structural, functional, and spatial information, amino acid conservation, physicochemical variation, residue mobility, and thermodynamic stability) indicates that this missense variant is expected to disrupt NPR2 protein function with a positive predictive value of 80%. This variant disrupts the p.Arg776 amino acid residue in NPR2. Other variant(s) that disrupt this residue have been observed in individuals with NPR2-related conditions (PMID: 15146390), which suggests that this may be a clinically significant amino acid residue. For these reasons, this variant has been classified as Pathogenic.

GeneDx
Classification: Uncertain significance. Last evaluated: 2024-12-02. Review status: criteria provided, single submitter. Criteria: GeneDx Variant Classification Process June 2021. Collection method: clinical testing. Allele origin: germline. Affected: yes.
Comment: Not observed at significant frequency in large population cohorts (gnomAD); In silico analysis supports that this missense variant has a deleterious effect on protein structure/function; Has not been previously published as pathogenic or benign to our knowledge; This variant is associated with the following publications: (PMID: Mohandass[2023]abstract)

Blueprint Genetics
Classification: Likely pathogenic for NPR2-related disorders. Last evaluated: 2020-03-09. Review status: criteria provided, single submitter. Criteria: ACMG Guidelines, 2015. Collection method: clinical testing. Allele origin: germline. Affected: yes. Observed: 5 variant alleles.

Illumina Laboratory Services, Illumina
Classification: Uncertain significance for Acromesomelic dysplasia 1, Maroteaux type. Last evaluated: 2018-01-13. Review status: criteria provided, single submitter. Criteria: ICSL Variant Classification Criteria 13 December 2019. Collection method: clinical testing. Allele origin: germline.

Eurofins Ntd Llc (ga)
Classification: Uncertain significance. Last evaluated: 2015-09-21. Review status: criteria provided, single submitter. Criteria: EGL Classification Definitions 2015. Collection method: clinical testing. Allele origin: germline. Observed: 1 variant allele, 1 homozygote.

Literature cited by the submitters: PubMed 15146390 (cited by Labcorp Genetics (formerly Invitae), Labcorp).